The following is an entry in ClinVar:

ClinVar aggregate classification (germline): Benign (0 of 4 stars; one submission).

Conditions:
MUC16-related disorder. Also called: MUC16-related condition.

Allele frequency attached by ClinVar (database versions not stated): gnomAD exomes 0.09237; ESP Exome Variant Server 0.10195; ExAC 0.11160; gnomAD 0.11334; TOPMed 0.11770; 1000 Genomes Project 30x 0.15881; 1000 Genomes Project 0.15915.

Submission:

PreventionGenetics, part of Exact Sciences
Classification: Benign for MUC16-related condition. Last evaluated: 2019-11-15. Review status: no assertion criteria provided. Collection method: clinical testing. Allele origin: germline.
Comment: This variant is classified as benign based on ACMG/AMP sequence variant interpretation guidelines (Richards et al. 2015 PMID: 25741868, with internal and published modifications).

NM_001401501.2(MUC16):c.12001G>A (p.Glu4001Lys)

Gene: MUC16 (mucin 16, cell surface associated; minus strand). Cytogenetic location: 19p13.2.
Variant type: single nucleotide variant.
Coding change: c.12001G>A on transcript NM_001401501.2 (MANE Select); coding-DNA position 12001, G replaced by A.
Protein change: p.Glu4001Lys; replaces glutamic acid 4001 with lysine.
Molecular consequence: missense variant.
Genome position (GRCh38, 1-based): chr19:8,964,889, C>T on the plus strand (G>A on the coding strand, the complement: MUC16 is on the minus strand). VCF-style: chr19-8964889-C-T. GRCh37 (hg19) VCF-style: chr19-9075565-C-T.
Other names: c.12427G>A, p.Glu4143Lys (NM_001414686.1); c.11881G>A, p.Glu3961Lys (NM_001414687.1, NM_024690.2); short protein forms E3961K, E4001K, E4143K.
Identifiers: ClinVar variation 3055691 (VCV003055691.2), dbSNP rs17000836, ClinGen allele CA9171154.